The following is an entry in ClinVar:

ClinVar aggregate classification (germline): Conflicting classifications of pathogenicity. Review status: criteria provided, conflicting classifications (1 of 4 stars). 2 submissions from 2 submitters: Uncertain significance (1); Likely benign (1). Last evaluated 2026-06-04.

Conditions:
Noonan syndrome 9 (NS9). Identifiers: Orphanet 648, MedGen C4225282, MONDO:0014691, OMIM 616559.

Allele frequency attached by ClinVar (database versions not stated): ExAC 0.00001; gnomAD exomes 0.00001; TOPMed 0.00003; gnomAD 0.00004 and 0.00005.
gnomAD v4.1: 16 of 1,608,116 alleles (0.00099%); highest among the groups gnomAD compares: African/African-American, 0.0067%; no homozygotes.

Submissions (2):

Women's Health and Genetics/Laboratory Corporation of America, LabCorp
Classification: Uncertain significance. Last evaluated: 2026-06-04. Review status: criteria provided, single submitter. Criteria: LabCorp Variant Classification Summary - May 2015. Collection method: clinical testing. Allele origin: germline.
Comment: Variant summary: SOS2 c.458G>A (p.Arg153Gln) results in a conservative amino acid change in the encoded protein sequence. Algorithms developed to predict the effect of missense changes on protein structure and function are either unavailable or do not agree on the potential impact of this missense change. The variant allele was found at a frequency of 1.2e-05 in 249306 control chromosomes. The available data on variant occurrences in the general population are insufficient to allow any conclusion about variant significance. To our knowledge, no occurrence of c.458G>A in individuals affected with SOS2-related conditions and no experimental evidence demonstrating its impact on protein function have been reported. ClinVar contains an entry for this variant (Variation ID: 1005668). Based on the evidence outlined above, the variant was classified as uncertain significance.

Labcorp Genetics (formerly Invitae), Labcorp
Classification: Likely benign for Noonan syndrome 9. Last evaluated: 2026-01-26. Review status: criteria provided, single submitter. Criteria: Invitae Variant Classification Sherloc (09022015). Collection method: clinical testing. Allele origin: germline.

NM_006939.4(SOS2):c.458G>A (p.Arg153Gln)

Gene: SOS2 (SOS Ras/Rho guanine nucleotide exchange factor 2; minus strand). Cytogenetic location: 14q21.3.
Variant type: single nucleotide variant.
Coding change: c.458G>A on transcript NM_006939.4 (MANE Select); coding-DNA position 458, G replaced by A.
Protein change: p.Arg153Gln; replaces arginine 153 with glutamine.
Molecular consequence: missense variant.
Genome position (GRCh38, 1-based): chr14:50,199,743, C>T on the plus strand (G>A on the coding strand, the complement: SOS2 is on the minus strand). VCF-style: chr14-50199743-C-T. GRCh37 (hg19) VCF-style: chr14-50666461-C-T.
Other names: short protein forms R153Q.
Identifiers: ClinVar variation 1005668 (VCV001005668.9), dbSNP rs779591050, ClinGen allele CA7177522.